The following is an entry in ClinVar:

ClinVar aggregate classification (germline): Pathogenic (1 of 4 stars; one submission).

Conditions:
Joubert syndrome. Also called: CEREBELLOPARENCHYMAL DISORDER IV; JOUBERT-BOLTSHAUSER SYNDROME; Familial aplasia of the vermis. Identifiers: Orphanet 475, MedGen C5979921, MONDO:0018772.
Meckel-Gruber syndrome. Also called: DYSENCEPHALIA SPLANCHNOCYSTICA; GRUBER SYNDROME; Dysencephalia splachnocystica. Identifiers: Orphanet 564, MedGen C0265215, MONDO:0018921.

Submission:

Labcorp Genetics (formerly Invitae), Labcorp
Classification: Pathogenic for Joubert syndrome; Meckel-Gruber syndrome. Last evaluated: 2023-03-01. Review status: criteria provided, single submitter. Criteria: Invitae Variant Classification Sherloc (09022015). Collection method: clinical testing. Allele origin: germline.
Comment: For these reasons, this variant has been classified as Pathogenic. This sequence change creates a premature translational stop signal (p.Gln138Hisfs*41) in the RPGRIP1L gene. It is expected to result in an absent or disrupted protein product. Loss-of-function variants in RPGRIP1L are known to be pathogenic (PMID: 17558409). This variant is not present in population databases (gnomAD no frequency). This variant has not been reported in the literature in individuals affected with RPGRIP1L-related conditions.

Literature cited by the submitters: PubMed 17558409.

NM_015272.5(RPGRIP1L):c.414del (p.Gln138fs)

Gene: RPGRIP1L (RPGRIP1 like; minus strand). Cytogenetic location: 16q12.2.
Variant type: Deletion.
Coding change: c.414del on transcript NM_015272.5 (MANE Select); coding-DNA position 414, one base deleted (G; older notation c.414delG).
Protein change: p.Gln138fs; shifts the reading frame from glutamine 138.
Molecular consequence: frameshift variant.
Genome position (GRCh38, 1-based): chr16:53,692,181, C deleted on the plus strand (G on the coding strand, the reverse complement: RPGRIP1L is on the minus strand). VCF-style (leftmost placement, unchanged base first): chr16-53692180-GC-G. GRCh37 (hg19) VCF-style: chr16-53726092-GC-G.
Other names: c.414del, p.Gln138fs (NM_001127897.4, NM_001308334.3, NM_001330538.2); short protein forms Q138fs.
Identifiers: ClinVar variation 2944579 (VCV002944579.3), dbSNP rs2544706126, ClinGen allele CA2740093382.
Genomic context (GRCh38, chr16:53,692,180, plus strand): 5'-TGTTAATACGAGATTGTACATTATTGTATGGAGTTTGCCTGTAACCCTGGGTTTGAAGTT[GC>G]TGTTTGGCTGAAATCAGTCTGTTTTTGAGGGTTTCATTTTGTTTTTCAAGCTCATGAACT-3'